The following is an entry in ClinVar:

NM_016122.3(CEP83):c.1298C>T (p.Ser433Leu)

Gene: CEP83 (centrosomal protein 83; minus strand). Cytogenetic location: 12q22.
Variant type: single nucleotide variant.
Coding change: c.1298C>T on transcript NM_016122.3 (MANE Select); coding-DNA position 1298, C replaced by T.
Protein change: p.Ser433Leu; replaces serine 433 with leucine.
Molecular consequence: missense variant. On other transcripts: non-coding transcript variant (1).
Genome position (GRCh38, 1-based): chr12:94,367,839, G>A on the plus strand (C>T on the coding strand, the complement: CEP83 is on the minus strand). VCF-style: chr12-94367839-G-A. GRCh37 (hg19) VCF-style: chr12-94761615-G-A.
Other names: c.1298C>T, p.Ser433Leu (NM_001042399.2, NM_001346457.2, NM_001368037.1 and 1 more transcripts); c.986C>T, p.Ser329Leu (NM_001346458.2, NM_001346459.2, NM_001368039.1 and 1 more transcripts); c.1073C>T, p.Ser358Leu (NM_001368041.1); short protein forms S329L, S358L, S433L.
Identifiers: ClinVar variation 2037204 (VCV002037204.3), dbSNP rs774502240, ClinGen allele CA6721685.

ClinVar aggregate classification (germline): Uncertain significance (1 of 4 stars; one submission).

Conditions:
Nephronophthisis 18 (NPHP18). Identifiers: Orphanet 655, MedGen C3890591, MONDO:0014374, OMIM 615862.

Allele frequency attached by ClinVar (database versions not stated): gnomAD exomes below 0.00001; ExAC 0.00001; gnomAD 0.00001; TOPMed 0.00001.
gnomAD v4.1: 3 of 1,613,326 alleles (0.00019%); highest among the groups gnomAD compares: East Asian, 0.0045%; no homozygotes.

Submission:

Labcorp Genetics (formerly Invitae), Labcorp
Classification: Uncertain significance for Nephronophthisis 18. Last evaluated: 2022-08-05. Review status: criteria provided, single submitter. Criteria: Invitae Variant Classification Sherloc (09022015). Collection method: clinical testing. Allele origin: germline.
Comment: In summary, the available evidence is currently insufficient to determine the role of this variant in disease. Therefore, it has been classified as a Variant of Uncertain Significance. This sequence change replaces serine, which is neutral and polar, with leucine, which is neutral and non-polar, at codon 433 of the CEP83 protein (p.Ser433Leu). This variant is present in population databases (rs774502240, gnomAD 0.006%). This variant has not been reported in the literature in individuals affected with CEP83-related conditions. Algorithms developed to predict the effect of missense changes on protein structure and function are either unavailable or do not agree on the potential impact of this missense change (SIFT: "Not Available"; PolyPhen-2: "Possibly Damaging"; Align-GVGD: "Not Available").